The following is an entry in ClinVar:

NM_018136.5(ASPM):c.8166T>C (p.Tyr2722=)

Gene: ASPM (assembly factor for spindle microtubules; minus strand). Cytogenetic location: 1q31.3.
Variant type: single nucleotide variant.
Coding change: c.8166T>C on transcript NM_018136.5 (MANE Select); coding-DNA position 8166, T replaced by C.
Protein change: p.Tyr2722=; no amino-acid change (tyrosine 2722 retained).
Molecular consequence: synonymous variant. On other transcripts: intron variant (1).
Genome position (GRCh38, 1-based): chr1:197,101,085, A>G on the plus strand (T>C on the coding strand, the complement: ASPM is on the minus strand). VCF-style: chr1-197101085-A-G. GRCh37 (hg19) VCF-style: chr1-197070215-A-G.
Other names: c.4066-4921T>C (NM_001206846.2).
Identifiers: ClinVar variation 282364 (VCV000282364.21), dbSNP rs78315399, ClinGen allele CA1309278.

ClinVar aggregate classification (germline): Benign/Likely benign. Review status: criteria provided, multiple submitters, no conflicts (2 of 4 stars). 7 submissions from 7 submitters: Benign (3); Likely benign (3). 1 of the submissions does not count toward it. Last evaluated 2026-01-06.

Conditions:
ASPM-related disorder. Also called: ASPM-related condition.
Microcephaly 5, primary, autosomal recessive (MCPH5). Also called: ASPM Primary Microcephaly. Identifiers: Orphanet 2512, MedGen C1837501, MONDO:0012106, OMIM 608716.

Allele frequency attached by ClinVar (database versions not stated): gnomAD 0.00046 and 0.00070; TOPMed 0.00067; ExAC 0.00117; gnomAD exomes 0.00135; 1000 Genomes Project 30x 0.00281; 1000 Genomes Project 0.00339.
gnomAD v4.1: 845 of 1,611,864 alleles (0.052%); highest among the groups gnomAD compares: East Asian, 1.8%; 8 homozygotes.

Submissions (7):

Labcorp Genetics (formerly Invitae), Labcorp
Classification: Benign. Last evaluated: 2026-01-06. Review status: criteria provided, single submitter. Criteria: Invitae Variant Classification Sherloc (09022015). Collection method: clinical testing. Allele origin: germline.

Genome-Nilou Lab
Classification: Benign for Microcephaly 5, primary, autosomal recessive. Last evaluated: 2023-04-11. Review status: criteria provided, single submitter. Criteria: ACMG Guidelines, 2015. Collection method: clinical testing. Allele origin: germline. Affected: no.

Illumina Laboratory Services, Illumina
Classification: Likely benign for Microcephaly 5, primary, autosomal recessive. Last evaluated: 2018-01-13. Review status: criteria provided, single submitter. Criteria: ICSL Variant Classification Criteria 13 December 2019. Collection method: clinical testing. Allele origin: germline.
Comment: This variant was observed in the ICSL laboratory as part of a predisposition screen in an ostensibly healthy population. It had not been previously curated by ICSL or reported in the Human Gene Mutation Database (HGMD: prior to June 1st, 2018), and was therefore a candidate for classification through an automated scoring system. Utilizing variant allele frequency, disease prevalence and penetrance estimates, and inheritance mode, an automated score was calculated to assess if this variant is too frequent to cause the disease. Based on the score and internal cut-off values, a variant classified as likely benign is not then subjected to further curation. The score for this variant resulted in a classification of likely benign for this disease.

GeneDx
Classification: Likely benign. Last evaluated: 2017-03-18. Review status: criteria provided, single submitter. Criteria: GeneDx Variant Classification (06012015). Collection method: clinical testing. Allele origin: germline. Affected: yes.
Comment: This variant is considered likely benign or benign based on one or more of the following criteria: it is a conservative change, it occurs at a poorly conserved position in the protein, it is predicted to be benign by multiple in silico algorithms, and/or has population frequency not consistent with disease.

Eurofins Ntd Llc (ga)
Classification: Benign. Last evaluated: 2015-08-06. Review status: criteria provided, single submitter. Criteria: EGL Classification Definitions 2015. Collection method: clinical testing. Allele origin: germline. Observed: 1 variant allele, 1 heterozygote.

Breakthrough Genomics
Classification: Likely benign. Review status: criteria provided, single submitter. Criteria: ACMG Guidelines, 2015. Collection method: not provided. Allele origin: germline. Inheritance: Autosomal recessive inheritance. Affected: yes.

PreventionGenetics, part of Exact Sciences
Classification: Benign for ASPM-related condition. Last evaluated: 2019-08-20. Review status: no assertion criteria provided. Collection method: clinical testing. Allele origin: germline. Not counted in ClinVar's aggregate classification.
Comment: This variant is classified as benign based on ACMG/AMP sequence variant interpretation guidelines (Richards et al. 2015 PMID: 25741868, with internal and published modifications).